The following is an entry in ClinVar:

ClinVar aggregate classification (germline): Uncertain significance. Review status: criteria provided, multiple submitters, no conflicts (2 of 4 stars). 2 submissions from 2 submitters: Uncertain significance (2). Last evaluated 2023-09-23.

Conditions:
Fanconi anemia complementation group P. Also called: SLX4-Related Fanconi Anemia. Identifiers: Orphanet 84, MedGen C3469542, MONDO:0013499, OMIM 613951.
Fanconi anemia (FA). Also called: Fanconi's anemia. Identifiers: Orphanet 84, MedGen C0015625, MeSH D005199, MONDO:0019391.

Allele frequency attached by ClinVar (database versions not stated): gnomAD 0.00001; TOPMed 0.00003.
gnomAD v4.1: 4 of 1,608,270 alleles (0.00025%); highest among the groups gnomAD compares: African/African-American, 0.0053%; no homozygotes.

Submissions (2):

Labcorp Genetics (formerly Invitae), Labcorp
Classification: Uncertain significance for Fanconi anemia. Last evaluated: 2023-09-23. Review status: criteria provided, single submitter. Criteria: Invitae Variant Classification Sherloc (09022015). Collection method: clinical testing. Allele origin: germline.
Comment: ClinVar contains an entry for this variant (Variation ID: 951777). An algorithm developed to predict the effect of missense changes on protein structure and function (PolyPhen-2) suggests that this variant is likely to be tolerated. In summary, the available evidence is currently insufficient to determine the role of this variant in disease. Therefore, it has been classified as a Variant of Uncertain Significance. This sequence change replaces aspartic acid, which is acidic and polar, with asparagine, which is neutral and polar, at codon 544 of the SLX4 protein (p.Asp544Asn). This variant is present in population databases (no rsID available, gnomAD 0.02%). This variant has not been reported in the literature in individuals affected with SLX4-related conditions.

Fulgent Genetics
Classification: Uncertain significance for Fanconi anemia complementation group P. Last evaluated: 2022-05-25. Review status: criteria provided, single submitter. Criteria: ACMG Guidelines, 2015. Collection method: clinical testing. Allele origin: unknown.

NM_032444.4(SLX4):c.1630G>A (p.Asp544Asn)

Gene: SLX4 (SLX4 structure-specific endonuclease subunit; minus strand). Cytogenetic location: 16p13.3.
Variant type: single nucleotide variant.
Coding change: c.1630G>A on transcript NM_032444.4 (MANE Select); coding-DNA position 1630, G replaced by A.
Protein change: p.Asp544Asn; replaces aspartic acid 544 with asparagine.
Molecular consequence: missense variant.
Genome position (GRCh38, 1-based): chr16:3,597,432, C>T on the plus strand (G>A on the coding strand, the complement: SLX4 is on the minus strand). VCF-style: chr16-3597432-C-T. GRCh37 (hg19) VCF-style: chr16-3647433-C-T.
Other names: short protein forms D544N.
Identifiers: ClinVar variation 951777 (VCV000951777.10), dbSNP rs773395054, ClinGen allele CA276964433.